The following is an entry in ClinVar:

NM_001041.4(SI):c.2737-11del

Gene: SI (sucrase-isomaltase; minus strand). Cytogenetic location: 3q26.1.
Variant type: Deletion.
Coding change: c.2737-11del on transcript NM_001041.4 (MANE Select); 11 bases into the intron before coding-DNA position 2737, one base deleted (T; older notation c.2737-11delT).
Molecular consequence: intron variant.
Genome position (GRCh38, 1-based): chr3:165,030,878, A deleted on the plus strand (T on the coding strand, the reverse complement: SI is on the minus strand); the first of 13 consecutive A bases (chr3:165,030,878-165,030,890); deleting any one gives the same sequence. VCF-style (leftmost placement, unchanged base first): chr3-165030877-CA-C. GRCh37 (hg19) VCF-style: chr3-164748665-CA-C.
Other names: p.?.
Identifiers: ClinVar variation 1529825 (VCV001529825.10), dbSNP rs11452619, ClinGen allele CA2690524.

ClinVar aggregate classification (germline): Benign/Likely benign. Review status: criteria provided, multiple submitters, no conflicts (2 of 4 stars). 3 submissions from 3 submitters: Benign (1); Likely benign (2). Last evaluated 2026-02-01.

Conditions:
Sucrase-isomaltase deficiency (CSID). Also called: SI DEFICIENCY; Deficiency of isomaltase; Congenital sucrose isomaltose malabsorption; Sucrose isomaltose enzyme deficiency. Identifiers: Orphanet 35122, MedGen C1283620, MONDO:0009114, OMIM 222900.

Submissions (3):

Labcorp Genetics (formerly Invitae), Labcorp
Classification: Benign. Last evaluated: 2026-02-01. Review status: criteria provided, single submitter. Criteria: Invitae Variant Classification Sherloc (09022015). Collection method: clinical testing. Allele origin: germline.

Mayo Clinic Laboratories, Mayo Clinic
Classification: Likely benign. Last evaluated: 2025-10-07. Review status: criteria provided, single submitter. Criteria: ACMG Guidelines, 2015. Collection method: clinical testing. Allele origin: germline. Observed: 4 variant alleles.
Comment: BS1, BP4, BP7

Fulgent Genetics
Classification: Likely benign for Sucrase-isomaltase deficiency. Last evaluated: 2022-03-24. Review status: criteria provided, single submitter. Criteria: ACMG Guidelines, 2015. Collection method: clinical testing. Allele origin: unknown.